The following is an entry in ClinVar:

NM_173495.3(PTCHD1):c.637T>G (p.Tyr213Asp)

Gene: PTCHD1 (patched domain containing 1; plus strand). Cytogenetic location: Xp22.11.
Variant type: single nucleotide variant.
Coding change: c.637T>G on transcript NM_173495.3 (MANE Select); coding-DNA position 637, T replaced by G.
Protein change: p.Tyr213Asp; replaces tyrosine 213 with aspartic acid.
Molecular consequence: missense variant.
Genome position (GRCh38, 1-based): chrX:23,379,876, T>G. VCF-style: chrX-23379876-T-G. GRCh37 (hg19) VCF-style: chrX-23397993-T-G.
Other names: short protein forms Y213D.
Identifiers: ClinVar variation 4278894 (VCV004278894.1).

ClinVar aggregate classification (germline): Uncertain significance (1 of 4 stars; one submission).

Submission:

GeneDx
Classification: Uncertain significance. Last evaluated: 2025-04-03. Review status: criteria provided, single submitter. Criteria: GeneDx Variant Classification Process June 2021. Collection method: clinical testing. Allele origin: germline. Affected: yes.
Comment: Not observed at significant frequency in large population cohorts (gnomAD); In silico analysis supports that this missense variant has a deleterious effect on protein structure/function; Has not been previously published as pathogenic or benign to our knowledge